The following is an entry in ClinVar:

NM_182914.3(SYNE2):c.15533_15537del (p.Lys5178fs)

Gene: SYNE2 (spectrin repeat containing nuclear envelope protein 2; plus strand). Cytogenetic location: 14q23.2.
Variant type: Microsatellite.
Coding change: c.15533_15537del on transcript NM_182914.3 (MANE Select); coding-DNA positions 15533 to 15537, 5 bases deleted (AAATA; older notation c.15533_15537delAAATA).
Protein change: p.Lys5178fs; shifts the reading frame from lysine 5178.
Molecular consequence: frameshift variant.
Genome position (GRCh38, 1-based): chr14:64,146,117-64,146,121, AAATA deleted; deleting any 5 consecutive bases within chr14:64,146,111-64,146,121 gives the same sequence; the c. name uses the placement nearest the transcript's 3' end. VCF-style (leftmost placement, unchanged base first): chr14-64146110-GAAAAT-G. GRCh37 (hg19) VCF-style: chr14-64612828-GAAAAT-G.
Other names: c.15533_15537del, p.Lys5178fs (NM_015180.6); short protein forms K5178fs.
Identifiers: ClinVar variation 3027440 (VCV003027440.1), dbSNP rs2549416400, ClinGen allele CA2740097102.

ClinVar aggregate classification (germline): Likely pathogenic (1 of 4 stars; one submission).

Conditions:
Emery-Dreifuss muscular dystrophy 5, autosomal dominant (EDMD5). Also called: EMERY-DREIFUSS MUSCULAR DYSTROPHY 5. Identifiers: Orphanet 261, MedGen C2751805, MONDO:0013072, OMIM 612999.

Submission:

Human Genetics Bochum, Ruhr University Bochum
Classification: Likely pathogenic for Emery-Dreifuss muscular dystrophy 5, autosomal dominant. Last evaluated: 2023-08-22. Review status: criteria provided, single submitter. Criteria: ACMG Guidelines, 2015. Collection method: clinical testing. Allele origin: germline. Affected: yes.
Comment: ACMG criteria used to clasify this variant: PVS1, PM2_SUP